The following is an entry in ClinVar:

NM_032578.4(MYPN):c.683T>C (p.Leu228Pro)

Gene: MYPN (myopalladin; plus strand). Cytogenetic location: 10q21.3.
Variant type: single nucleotide variant.
Coding change: c.683T>C on transcript NM_032578.4 (MANE Select); coding-DNA position 683, T replaced by C.
Protein change: p.Leu228Pro; replaces leucine 228 with proline.
Molecular consequence: missense variant. On other transcripts: 5 prime UTR variant (1), non-coding transcript variant (1).
Genome position (GRCh38, 1-based): chr10:68,122,121, T>C. VCF-style: chr10-68122121-T-C. GRCh37 (hg19) VCF-style: chr10-69881878-T-C.
Other names: c.683T>C (NM_032578.3, NM_032578.2); c.683T>C, p.Leu228Pro (NM_001256267.2); c.-440T>C (NM_001256268.2); short protein forms L228P.
Identifiers: ClinVar variation 1444955 (VCV001444955.8), dbSNP rs377392207, ClinGen allele CA5522310.
Genomic context (GRCh38, chr10:68,122,121, plus strand): 5'-GATCTTCTGTTCCCATCCCTATCCCTGCGGATACCAGGGATAATGAAGTGAATCACGCCC[T>C]GGAACAGCAGGAAGCCAAGAGGCGTGAAGCGGAGCAGGCTGCCAGTGAGGCGGCTGGTGG-3'
Protein context (NP_115967.2, residues 218-238): DTRDNEVNHA[Leu228Pro]EQQEAKRREA

ClinVar aggregate classification (germline): Uncertain significance. Review status: criteria provided, multiple submitters, no conflicts (2 of 4 stars). 3 submissions from 3 submitters: Uncertain significance (3). Last evaluated 2025-03-25.

Conditions:
Dilated cardiomyopathy 1KK (CMD1KK). Identifiers: Orphanet 154, Orphanet 75249, MedGen C3714995, MONDO:0014100, OMIM 615248.
Cardiovascular phenotype. Identifiers: MedGen CN230736.

Allele frequency attached by ClinVar (database versions not stated): TOPMed below 0.00001; gnomAD 0.00001; gnomAD exomes 0.00001; ExAC 0.00002; ESP Exome Variant Server 0.00008.
gnomAD v4.1: 4 of 1,613,858 alleles (0.00025%); highest among the groups gnomAD compares: Non-Finnish European, 0.00034%; no homozygotes.

Submissions (3):

Ambry Genetics
Classification: Uncertain significance for Cardiovascular phenotype. Last evaluated: 2025-03-25. Review status: criteria provided, single submitter. Criteria: Ambry Variant Classification Scheme 2023. Collection method: clinical testing. Allele origin: germline.
Comment: The p.L228P variant (also known as c.683T>C), located in coding exon 1 of the MYPN gene, results from a T to C substitution at nucleotide position 683. The leucine at codon 228 is replaced by proline, an amino acid with similar properties. This amino acid position is conserved. In addition, the in silico prediction for this alteration is inconclusive. Based on the available evidence, the clinical significance of this variant remains unclear.

Labcorp Genetics (formerly Invitae), Labcorp
Classification: Uncertain significance for Dilated cardiomyopathy 1KK. Last evaluated: 2024-12-06. Review status: criteria provided, single submitter. Criteria: Invitae Variant Classification Sherloc (09022015). Collection method: clinical testing. Allele origin: germline.
Comment: This sequence change replaces leucine, which is neutral and non-polar, with proline, which is neutral and non-polar, at codon 228 of the MYPN protein (p.Leu228Pro). This variant is present in population databases (rs377392207, gnomAD 0.003%). This variant has not been reported in the literature in individuals affected with MYPN-related conditions. ClinVar contains an entry for this variant (Variation ID: 1444955). An algorithm developed to predict the effect of missense changes on protein structure and function (PolyPhen-2) suggests that this variant is likely to be tolerated. In summary, the available evidence is currently insufficient to determine the role of this variant in disease. Therefore, it has been classified as a Variant of Uncertain Significance.

GeneDx
Classification: Uncertain significance. Last evaluated: 2024-02-29. Review status: criteria provided, single submitter. Criteria: GeneDx Variant Classification Process June 2021. Collection method: clinical testing. Allele origin: germline. Affected: yes.
Comment: Not observed at significant frequency in large population cohorts (gnomAD); In silico analysis supports that this missense variant does not alter protein structure/function; Has not been previously published as pathogenic or benign to our knowledge